The following is an entry in ClinVar:

ClinVar aggregate classification (germline): Uncertain significance (1 of 4 stars; one submission).

Conditions:
Hereditary cancer-predisposing syndrome. Also called: Neoplastic Syndromes, Hereditary; Hereditary Cancer Syndrome; Tumor predisposition; Hereditary neoplastic syndrome. Identifiers: Orphanet 140162, MedGen C0027672, MeSH D009386, MONDO:0015356.

Submission:

Ambry Genetics
Classification: Uncertain significance for Hereditary cancer-predisposing syndrome. Last evaluated: 2023-02-12. Review status: criteria provided, single submitter. Criteria: Ambry Variant Classification Scheme 2023. Collection method: clinical testing. Allele origin: germline.
Comment: The p.K577Q variant (also known as c.1729A>C), located in coding exon 11 of the CTNNA1 gene, results from an A to C substitution at nucleotide position 1729. The lysine at codon 577 is replaced by glutamine, an amino acid with similar properties. This amino acid position is conserved. In addition, this alteration is predicted to be tolerated by in silico analysis. Since supporting evidence is limited at this time, the clinical significance of this alteration remains unclear.

NM_001903.5(CTNNA1):c.1729A>C (p.Lys577Gln)

Gene: CTNNA1 (catenin alpha 1; plus strand). Cytogenetic location: 5q31.2.
Variant type: single nucleotide variant.
Coding change: c.1729A>C on transcript NM_001903.5 (MANE Select); coding-DNA position 1729, A replaced by C.
Protein change: p.Lys577Gln; replaces lysine 577 with glutamine.
Molecular consequence: missense variant.
Genome position (GRCh38, 1-based): chr5:138,924,692, A>C. VCF-style: chr5-138924692-A-C. GRCh37 (hg19) VCF-style: chr5-138260381-A-C.
Other names: c.1729A>C, p.Lys577Gln (NM_001290307.3, NM_001323982.2, NM_001323983.1 and 2 more transcripts); c.1420A>C, p.Lys474Gln (NM_001290309.3); c.1360A>C, p.Lys454Gln (NM_001290310.3); c.619A>C, p.Lys207Gln (NM_001290312.1, NM_001323987.1, NM_001323988.1 and 17 more transcripts); c.1636A>C, p.Lys546Gln (NM_001323986.2); c.280A>C, p.Lys94Gln (NM_001324006.1, NM_001324007.1, NM_001324008.1 and 2 more transcripts); c.526A>C, p.Lys176Gln (NM_001324011.1); c.376A>C, p.Lys126Gln (NM_001324012.1, NM_001324013.1); short protein forms K126Q, K546Q, K577Q, K176Q, K94Q, K207Q, K454Q, K474Q.
Identifiers: ClinVar variation 2448349 (VCV002448349.2), dbSNP rs2150289859, ClinGen allele CA361132066.